The following is an entry in ClinVar:

NM_001136472.2(LITAF):c.332C>G (p.Ala111Gly)

Gene: LITAF (lipopolysaccharide induced TNF factor; minus strand). Cytogenetic location: 16p13.13.
Variant type: single nucleotide variant.
Coding change: c.332C>G on transcript NM_001136472.2 (MANE Select); coding-DNA position 332, C replaced by G.
Protein change: p.Ala111Gly; replaces alanine 111 with glycine.
Molecular consequence: missense variant. On other transcripts: non-coding transcript variant (1).
Genome position (GRCh38, 1-based): chr16:11,553,578, G>C on the plus strand (C>G on the coding strand, the complement: LITAF is on the minus strand). VCF-style: chr16-11553578-G-C. GRCh37 (hg19) VCF-style: chr16-11647434-G-C.
Other names: c.332C>G, p.Ala111Gly (NM_001136473.1, NM_004862.4); short protein forms A111G.
Identifiers: ClinVar variation 41229 (VCV000041229.11), dbSNP rs281865134, ClinGen allele CA344230.

ClinVar aggregate classification (germline): Pathogenic. Review status: criteria provided, multiple submitters, no conflicts (2 of 4 stars). 5 submissions from 5 submitters: Pathogenic (3). 2 of the submissions do not count toward it. Last evaluated 2024-07-12.

Conditions:
Charcot-Marie-Tooth disease. Also called: Charcot-Marie-Tooth Neuropathy; Charcot-Marie-Tooth Hereditary Neuropathy. Identifiers: Orphanet 166, MedGen C0007959, MONDO:0015626.
Charcot-Marie-Tooth disease type 1C. Also called: CHARCOT-MARIE-TOOTH NEUROPATHY, TYPE 1C; NEUROPATHY, HEREDITARY MOTOR AND SENSORY, TYPE IC; CHARCOT-MARIE-TOOTH DISEASE, DEMYELINATING, TYPE 1C; CMT, SLOW NERVE CONDUCTION TYPE C; HMSN IC; Charcot-Marie-Tooth disease, type IC. Identifiers: Orphanet 101083, MedGen C0270913, MONDO:0010995, OMIM 601098.

Submissions (5):

Women's Health and Genetics/Laboratory Corporation of America, LabCorp
Classification: Pathogenic for Charcot-Marie-Tooth disease type 1C. Last evaluated: 2024-07-12. Review status: criteria provided, single submitter. Criteria: LabCorp Variant Classification Summary - May 2015. Collection method: clinical testing. Allele origin: germline.
Comment: Variant summary: LITAF c.332C>G (p.Ala111Gly) results in a non-conservative amino acid change located in the LPS-induced tumour necrosis factor alpha factor domain (IPR006629) of the encoded protein sequence. Three of five in-silico tools predict a damaging effect of the variant on protein function. The variant was absent in 251206 control chromosomes. c.332C>G has been reported in the literature in multiple individuals affected with Charcot-Marie Disease Type 1C and segregated with disease in at least one family (e.g. Latour_2006). These data indicate that the variant is very likely to be associated with disease. Experimental in vitro studies show that this variant causes mislocalization (e.g. Zhu_2013, Lacerda_2014). The following publications have been ascertained in the context of this evaluation (PMID: 25058650, 16787513, 23576546). ClinVar contains an entry for this variant (Variation ID: 41229). Based on the evidence outlined above, the variant was classified as pathogenic.

Labcorp Genetics (formerly Invitae), Labcorp
Classification: Pathogenic for Charcot-Marie-Tooth disease type 1C. Last evaluated: 2023-02-14. Review status: criteria provided, single submitter. Criteria: Invitae Variant Classification Sherloc (09022015). Collection method: clinical testing. Allele origin: germline.
Comment: This sequence change replaces alanine, which is neutral and non-polar, with glycine, which is neutral and non-polar, at codon 111 of the LITAF protein (p.Ala111Gly). This variant is not present in population databases (gnomAD no frequency). This missense change has been observed in individual(s) with Charcot-Marie-Tooth disease (PMID: 16787513, 32376792). It has also been observed to segregate with disease in related individuals. ClinVar contains an entry for this variant (Variation ID: 41229). Algorithms developed to predict the effect of missense changes on protein structure and function are either unavailable or do not agree on the potential impact of this missense change (SIFT: "Tolerated"; PolyPhen-2: "Possibly Damaging"; Align-GVGD: "Class C0"). Experimental studies have shown that this missense change affects LITAF function (PMID: 23576546, 25058650). For these reasons, this variant has been classified as Pathogenic.

Molecular Genetics Laboratory, London Health Sciences Centre
Classification: Pathogenic for Charcot-Marie-Tooth disease. Review status: criteria provided, single submitter. Criteria: ACMG Guidelines, 2015. Collection method: clinical testing. Allele origin: germline. Affected: yes.

GeneReviews
No classification provided. Condition: Charcot-Marie-Tooth disease type 1C. Review status: no classification provided. Collection method: literature only. Allele origin: unknown. Not counted in ClinVar's aggregate classification.

Inherited Neuropathy Consortium
Classification: Uncertain significance for Charcot-Marie-Tooth disease. Review status: no assertion criteria provided. Collection method: literature only. Allele origin: germline. Affected: yes. Not counted in ClinVar's aggregate classification.

Literature cited by the submitters: PubMed 25058650 (cited by Women's Health and Genetics/Laboratory Corporation of America, LabCorp and Labcorp Genetics (formerly Invitae), Labcorp); PubMed 16787513 (cited by 3 submitters); PubMed 23576546 (cited by Women's Health and Genetics/Laboratory Corporation of America, LabCorp and Labcorp Genetics (formerly Invitae), Labcorp); PubMed 32376792 (cited by Labcorp Genetics (formerly Invitae), Labcorp); PubMed 20301384 (cited by GeneReviews); NCBI Bookshelf NBK1205 (cited by GeneReviews).